The following is an entry in ClinVar:

NM_004958.4(MTOR):c.5246+9C>T

Gene: MTOR (mechanistic target of rapamycin kinase; minus strand). Cytogenetic location: 1p36.22.
Variant type: single nucleotide variant.
Coding change: c.5246+9C>T on transcript NM_004958.4 (MANE Select); 9 bases into the intron after coding-DNA position 5246, C replaced by T.
Molecular consequence: intron variant.
Genome position (GRCh38, 1-based): chr1:11,134,342, G>A on the plus strand (C>T on the coding strand, the complement: MTOR is on the minus strand). VCF-style: chr1-11134342-G-A. GRCh37 (hg19) VCF-style: chr1-11194399-G-A.
Other names: p.?.
Identifiers: ClinVar variation 770484 (VCV000770484.10), dbSNP rs192160564, ClinGen allele CA589411.
Genomic context (GRCh38, chr1:11,134,342, plus strand): 5'-CCTTGCTGCAGAAGCTGCTGGGATGACAGGGCTGGAATATGACTTGCCCCAGGTCAGTGG[G>A]GACCTCACCGGGCCATGAGCTTGTGCAGTTCCTGCTTATGCTGCTGGTCCTCAGTAGCGA-3'

ClinVar aggregate classification (germline): Benign. Review status: criteria provided, multiple submitters, no conflicts (2 of 4 stars). 5 submissions from 5 submitters: Benign (4). 1 of the submissions does not count toward it. Last evaluated 2021-11-29.

Conditions:
MTOR-related disorder. Also called: MTOR-related condition.

Allele frequency attached by ClinVar (database versions not stated): TOPMed 0.01020; gnomAD 0.00707 and 0.00709; gnomAD exomes 0.00241 and 0.00938; 1000 Genomes Project 0.00719; 1000 Genomes Project 30x 0.00750; ExAC 0.00666.
gnomAD v4.1: 4,628 of 1,612,576 alleles (0.29%); highest among the groups gnomAD compares: Admixed American, 6.2%; 146 homozygotes.

Submissions (5):

Mayo Clinic Laboratories, Mayo Clinic
Classification: Benign. Last evaluated: 2021-11-29. Review status: criteria provided, single submitter. Criteria: ACMG Guidelines, 2015. Collection method: clinical testing. Allele origin: germline. Observed: 6 variant alleles.

Labcorp Genetics (formerly Invitae), Labcorp
Classification: Benign. Last evaluated: 2019-12-31. Review status: criteria provided, single submitter. Criteria: Invitae Variant Classification Sherloc (09022015). Collection method: clinical testing. Allele origin: germline.

GeneDx
Classification: Benign. Last evaluated: 2018-08-17. Review status: criteria provided, single submitter. Criteria: GeneDx Variant Classification Process June 2021. Collection method: clinical testing. Allele origin: germline. Affected: yes.

Breakthrough Genomics
Classification: Benign. Review status: criteria provided, single submitter. Criteria: ACMG Guidelines, 2015. Collection method: not provided. Allele origin: germline. Inheritance: Autosomal dominant inheritance. Affected: yes.

PreventionGenetics, part of Exact Sciences
Classification: Benign for MTOR-related condition. Last evaluated: 2019-03-07. Review status: no assertion criteria provided. Collection method: clinical testing. Allele origin: germline. Not counted in ClinVar's aggregate classification.
Comment: This variant is classified as benign based on ACMG/AMP sequence variant interpretation guidelines (Richards et al. 2015 PMID: 25741868, with internal and published modifications).